The following is an entry in ClinVar:

NM_001368809.2(AMPD2):c.2176T>G (p.Tyr726Asp)

Gene: AMPD2 (adenosine monophosphate deaminase 2; plus strand). Cytogenetic location: 1p13.3.
Variant type: single nucleotide variant.
Coding change: c.2176T>G on transcript NM_001368809.2 (MANE Select); coding-DNA position 2176, T replaced by G.
Protein change: p.Tyr726Asp; replaces tyrosine 726 with aspartic acid.
Molecular consequence: missense variant.
Genome position (GRCh38, 1-based): chr1:109,630,701, T>G. VCF-style: chr1-109630701-T-G. GRCh37 (hg19) VCF-style: chr1-110173323-T-G.
Other names: c.1984T>G, p.Tyr662Asp (NM_001257361.2); c.2113T>G, p.Tyr705Asp (NM_001308170.1); c.2176T>G, p.Tyr726Asp (NM_004037.9); c.2095T>G, p.Tyr699Asp (NM_139156.4); short protein forms Y662D, Y699D, Y705D, Y726D.
Identifiers: ClinVar variation 3382961 (VCV003382961.2).

ClinVar aggregate classification (germline): Uncertain significance (1 of 4 stars; one submission).

Conditions:
Hereditary spastic paraplegia 63. Also called: Spastic paraplegia 63, autosomal recessive. Identifiers: Orphanet 401805, MedGen C3810295, MONDO:0014305, OMIM 615686.
Pontocerebellar hypoplasia type 9. Identifiers: Orphanet 369920, MedGen C4014354, MONDO:0014351, OMIM 615809.

Submission:

Juno Genomics, Hangzhou Juno Genomics, Inc
Classification: Uncertain significance for Hereditary spastic paraplegia 63; Pontocerebellar hypoplasia type 9. Review status: criteria provided, single submitter. Criteria: ACMG Guidelines, 2015. Collection method: clinical testing. Allele origin: germline. Affected: yes.
Comment: Absent from controls (or at extremely low frequency if recessive) in Genome Aggregation Database, Exome Sequencing Project, 1000 Genomes Project, or Exome Aggregation Consortium.;Multiple lines of computational evidence support a deleterious effect on the gene or gene product (conservation, evolutionary, splicing impact, etc).;For recessive disorders, detected in trans with a pathogenic variant.